The following is an entry in ClinVar:

ClinVar aggregate classification (germline): Likely benign. Review status: criteria provided, single submitter (1 of 4 stars). 2 submissions from 2 submitters: Likely benign (1). 1 of the submissions does not count toward it. Last evaluated 2019-12-31.

Conditions:
EPO-related disorder. Also called: EPO-related condition.

Allele frequency attached by ClinVar (database versions not stated): gnomAD exomes 0.00024 and 0.00061; ExAC 0.00080; gnomAD 0.00231 and 0.00258; 1000 Genomes Project 0.00240; 1000 Genomes Project 30x 0.00250; TOPMed 0.00272; ESP Exome Variant Server 0.00338.

Submissions (2):

Labcorp Genetics (formerly Invitae), Labcorp
Classification: Likely benign. Last evaluated: 2019-12-31. Review status: criteria provided, single submitter. Criteria: Invitae Variant Classification Sherloc (09022015). Collection method: clinical testing. Allele origin: germline.

PreventionGenetics, part of Exact Sciences
Classification: Likely benign for EPO-related condition. Last evaluated: 2024-04-17. Review status: no assertion criteria provided. Collection method: clinical testing. Allele origin: germline. Not counted in ClinVar's aggregate classification.
Comment: This variant is classified as likely benign based on ACMG/AMP sequence variant interpretation guidelines (Richards et al. 2015 PMID: 25741868, with internal and published modifications).

NM_000799.4(EPO):c.496C>T (p.Arg166Cys)

Gene: EPO (erythropoietin; plus strand). Cytogenetic location: 7q22.1.
Variant type: single nucleotide variant.
Coding change: c.496C>T on transcript NM_000799.4 (MANE Select); coding-DNA position 496, C replaced by T.
Protein change: p.Arg166Cys; replaces arginine 166 with cysteine.
Molecular consequence: missense variant.
Genome position (GRCh38, 1-based): chr7:100,723,047, C>T. VCF-style: chr7-100723047-C-T. GRCh37 (hg19) VCF-style: chr7-100320670-C-T.
Other names: short protein forms R166C.
Identifiers: ClinVar variation 716910 (VCV000716910.5), dbSNP rs73409075, ClinGen allele CA4389582.
Genomic context (GRCh38, chr7:100,723,047, plus strand): 5'-ATCTCCCCTCCAGATGCGGCCTCAGCTGCTCCACTCCGAACAATCACTGCTGACACTTTC[C>T]GCAAACTCTTCCGAGTCTACTCCAATTTCCTCCGGGGAAAGCTGAAGCTGTACACAGGGG-3'
Protein context (NP_000790.2, residues 156-176): PLRTITADTF[Arg166Cys]KLFRVYSNFL